The following is an entry in ClinVar:

ClinVar aggregate classification (germline): Uncertain significance. Review status: criteria provided, multiple submitters, no conflicts (2 of 4 stars). 3 submissions from 3 submitters: Uncertain significance (3). Last evaluated 2025-04-11.

Conditions:
Charcot-Marie-Tooth disease type 2. Also called: Charcot-Marie-Tooth type 2. Identifiers: Orphanet 64746, MedGen C0270914, MONDO:0018993.
Primary dilated cardiomyopathy (DCM). Also called: Dilated Cardiomyopathy. Identifiers: Orphanet 217604, MedGen C0007193, MeSH D002311, MONDO:0005021, HP:0001644. Inheritance: Various modes of inheritance.

Submissions (3):

Labcorp Genetics (formerly Invitae), Labcorp
Classification: Uncertain significance for Charcot-Marie-Tooth disease type 2. Last evaluated: 2025-04-11. Review status: criteria provided, single submitter. Criteria: Invitae Variant Classification Sherloc (09022015). Collection method: clinical testing. Allele origin: germline.
Comment: This sequence change replaces asparagine, which is neutral and polar, with lysine, which is basic and polar, at codon 231 of the LMNA protein (p.Asn231Lys). This variant is not present in population databases (gnomAD no frequency). This variant has not been reported in the literature in individuals affected with LMNA-related conditions. ClinVar contains an entry for this variant (Variation ID: 286437). Invitae Evidence Modeling of protein sequence and biophysical properties (such as structural, functional, and spatial information, amino acid conservation, physicochemical variation, residue mobility, and thermodynamic stability) indicates that this missense variant is expected to disrupt LMNA protein function with a positive predictive value of 95%. In summary, the available evidence is currently insufficient to determine the role of this variant in disease. Therefore, it has been classified as a Variant of Uncertain Significance.

All of Us Research Program, National Institutes of Health
Classification: Uncertain significance for Primary dilated cardiomyopathy. Last evaluated: 2024-07-20. Review status: criteria provided, single submitter. Criteria: ACMG Guidelines, 2015. Collection method: clinical testing. Allele origin: germline. Inheritance: Autosomal dominant inheritance. Observed: 1 variant allele, 1 heterozygote.
Comment: This missense variant replaces asparagine with lysine at codon 231 of the LMNA protein. Computational prediction suggests that this variant may not impact protein structure and function (internally defined REVEL score threshold <= 0.5, PMID: 27666373). To our knowledge, functional studies have not been reported for this variant. This variant has not been reported in individuals affected with LMNA-related disorders in the literature. This variant has not been identified in the general population by the Genome Aggregation Database (gnomAD). The available evidence is insufficient to determine the role of this variant in disease conclusively. Therefore, this variant is classified as a Variant of Uncertain Significance.

This study involves interpretation of variants in research participants for the purpose of population health screening. Participant phenotype was not available at the time of variant classification. Additional details can be found in publication PMID: 35346344, PMCID: PMC8962531

Eurofins Ntd Llc (ga)
Classification: Uncertain significance. Last evaluated: 2016-03-03. Review status: criteria provided, single submitter. Criteria: EGL Classification Definitions 2015. Collection method: clinical testing. Allele origin: germline. Observed: 1 variant allele, 1 heterozygote.

NM_170707.4(LMNA):c.693T>G (p.Asn231Lys)

Gene: LMNA (lamin A/C; plus strand). Cytogenetic location: 1q22.
Variant type: single nucleotide variant.
Coding change: c.693T>G on transcript NM_170707.4 (MANE Select); coding-DNA position 693, T replaced by G.
Protein change: p.Asn231Lys; replaces asparagine 231 with lysine.
Molecular consequence: missense variant.
Genome position (GRCh38, 1-based): chr1:156,134,858, T>G. VCF-style: chr1-156134858-T-G. GRCh37 (hg19) VCF-style: chr1-156104649-T-G.
Other names: c.357T>G, p.Asn119Lys (NM_001257374.3); c.450T>G, p.Asn150Lys (NM_001282624.2); c.693T>G, p.Asn231Lys (NM_001282625.2, NM_001282626.2, NM_005572.4 and 1 more transcripts); short protein forms N231K, N119K, N150K.
Identifiers: ClinVar variation 286437 (VCV000286437.7), dbSNP rs886043393, ClinGen allele CA10605464.